The following is an entry in ClinVar:

NM_000124.4(ERCC6):c.3871dup (p.Gln1291fs)

Gene: ERCC6 (ERCC excision repair 6, chromatin remodeling factor; minus strand). Cytogenetic location: 10q11.23.
Variant type: Duplication.
Coding change: c.3871dup on transcript NM_000124.4 (MANE Select); coding-DNA position 3871, one base duplicated (C; older notation c.3871dupC).
Protein change: p.Gln1291fs; shifts the reading frame from glutamine 1291.
Molecular consequence: frameshift variant.
Genome position (GRCh38, 1-based): chr10:49,461,464, G duplicated on the plus strand (C on the coding strand, the reverse complement: ERCC6 is on the minus strand); the first of 3 consecutive G bases (chr10:49,461,464-49,461,466); duplicating any one gives the same sequence. VCF-style (leftmost placement, unchanged base first): chr10-49461463-T-TG. GRCh37 (hg19) VCF-style: chr10-50669509-T-TG.
Other names: c.3871dupC (NM_000124.2); c.3871dup, p.Gln1291fs (NM_001346440.2); short protein forms Q1291fs.
Identifiers: ClinVar variation 551667 (VCV000551667.8), dbSNP rs1386369933, ClinGen allele CA658822988.

ClinVar aggregate classification (germline): Pathogenic. Review status: criteria provided, single submitter (1 of 4 stars). 2 submissions from 2 submitters: Pathogenic (1). 1 of the submissions does not count toward it. Last evaluated 2020-07-12.

Conditions:
DE SANCTIS-CACCHIONE SYNDROME. Identifiers: MedGen C0265201, MONDO:0010217, OMIM 278800.
Cockayne syndrome type 2 (CSB). Also called: Cockayne Syndrome, Type II; COCKAYNE SYNDROME B. Identifiers: Orphanet 191, Orphanet 90322, MedGen C0751038, MONDO:0019570, OMIM 133540.
Cerebrooculofacioskeletal syndrome 1 (COFS1). Also called: Cerebro-oculo-facio-skeletal syndrome 1. Identifiers: MedGen C0220722, MONDO:0008955, OMIM 214150.

Submissions (2):

Labcorp Genetics (formerly Invitae), Labcorp
Classification: Pathogenic. Last evaluated: 2020-07-12. Review status: criteria provided, single submitter. Criteria: Invitae Variant Classification Sherloc (09022015). Collection method: clinical testing. Allele origin: germline.
Comment: For these reasons, this variant has been classified as Pathogenic. Loss-of-function variants in ERCC6 are known to be pathogenic (PMID: 18628313, 29572252). This variant has not been reported in the literature in individuals with ERCC6-related conditions. ClinVar contains an entry for this variant (Variation ID: 551667). This variant is not present in population databases (ExAC no frequency). This sequence change creates a premature translational stop signal (p.Gln1291Profs*40) in the ERCC6 gene. It is expected to result in an absent or disrupted protein product.

Counsyl
Classification: Likely pathogenic for Cockayne syndrome type 2; Cerebrooculofacioskeletal syndrome 1; DE SANCTIS-CACCHIONE SYNDROME. Last evaluated: 2017-05-03. Review status: no assertion criteria provided. Collection method: clinical testing. Allele origin: unknown. Not counted in ClinVar's aggregate classification.

Literature cited by the submitters: PubMed 18628313 (cited by Labcorp Genetics (formerly Invitae), Labcorp); PubMed 29572252 (cited by Labcorp Genetics (formerly Invitae), Labcorp).